The following is an entry in ClinVar:

ClinVar aggregate classification (germline): Uncertain significance (1 of 4 stars; one submission).

Conditions:
Hereditary cancer-predisposing syndrome. Also called: Hereditary Cancer Syndrome; Hereditary neoplastic syndrome; Neoplastic Syndromes, Hereditary; Tumor predisposition. Identifiers: Orphanet 140162, MedGen C0027672, MeSH D009386, MONDO:0015356.

Submission:

Ambry Genetics
Classification: Uncertain significance for Hereditary cancer-predisposing syndrome. Last evaluated: 2025-06-19. Review status: criteria provided, single submitter. Criteria: Ambry Variant Classification Scheme 2023. Collection method: clinical testing. Allele origin: germline.
Comment: The p.W103R variant (also known as c.307T>C), located in coding exon 3 of the CDH1 gene, results from a T to C substitution at nucleotide position 307. The tryptophan at codon 103 is replaced by arginine, an amino acid with dissimilar properties. This amino acid position is conserved. In addition, this alteration is predicted to be tolerated by in silico analysis. Based on the available evidence, the clinical significance of this variant remains unclear.

NM_004360.5(CDH1):c.307T>C (p.Trp103Arg)

Gene: CDH1 (cadherin 1; plus strand). Cytogenetic location: 16q22.1.
Variant type: single nucleotide variant.
Coding change: c.307T>C on transcript NM_004360.5 (MANE Select); coding-DNA position 307, T replaced by C.
Protein change: p.Trp103Arg; replaces tryptophan 103 with arginine.
Molecular consequence: missense variant. On other transcripts: 5 prime UTR variant (2).
Genome position (GRCh38, 1-based): chr16:68,801,813, T>C. VCF-style: chr16-68801813-T-C. GRCh37 (hg19) VCF-style: chr16-68835716-T-C.
Other names: c.307T>C, p.Trp103Arg (NM_001317184.2); c.-1309T>C (NM_001317185.2); c.-1513T>C (NM_001317186.2); short protein forms W103R.
Identifiers: ClinVar variation 4223583 (VCV004223583.1).